The following is an entry in ClinVar:

NM_017686.4(GDAP2):c.322C>T (p.Arg108Ter)

Gene: GDAP2 (ganglioside induced differentiation associated protein 2; minus strand). Cytogenetic location: 1p12.
Variant type: single nucleotide variant.
Coding change: c.322C>T on transcript NM_017686.4 (MANE Select); coding-DNA position 322, C replaced by T.
Protein change: p.Arg108Ter; replaces arginine 108 with a stop codon.
Molecular consequence: nonsense.
Genome position (GRCh38, 1-based): chr1:117,912,678, G>A on the plus strand (C>T on the coding strand, the complement: GDAP2 is on the minus strand). VCF-style: chr1-117912678-G-A. GRCh37 (hg19) VCF-style: chr1-118455300-G-A.
Other names: c.322C>T, p.Arg108Ter (NM_001135589.3); short protein forms R108*.
Identifiers: ClinVar variation 5037315 (VCV005037315.1).

ClinVar aggregate classification (germline): Uncertain significance (1 of 4 stars; one submission).

gnomAD v4.1: 4 of 1,612,266 alleles (0.00025%); highest among the groups gnomAD compares: South Asian, 0.0011%; no homozygotes.

Submission:

GeneDx
Classification: Uncertain significance. Last evaluated: 2026-04-22. Review status: criteria provided, single submitter. Criteria: GeneDx Variant Classification Process June 2021. Collection method: clinical testing. Allele origin: germline.
Comment: Nonsense variant predicted to result in protein truncation or nonsense mediated decay in a gene for which loss of function is a known mechanism of disease; Has not been previously published as pathogenic or benign to our knowledge